The following is an entry in ClinVar:

ClinVar aggregate classification (germline): Uncertain significance. Review status: criteria provided, multiple submitters, no conflicts (2 of 4 stars). 2 submissions from 2 submitters: Uncertain significance (2). Last evaluated 2021-11-07.

Conditions:
Microcephaly, normal intelligence and immunodeficiency (NBS). Also called: Ataxia telangiectasia variant V1; IMMUNODEFICIENCY, MICROCEPHALY, AND CHROMOSOMAL INSTABILITY; SEEMANOVA SYNDROME II; Nijmegen breakage syndrome; Microcephaly with normal intelligence immunodeficiency and lymphoreticular malignancies; Nonsyndromal microcephaly autosomal recessive with normal intelligence. Identifiers: Orphanet 647, MedGen C0398791, MONDO:0009623, OMIM 251260.

Submissions (2):

Genome-Nilou Lab
Classification: Uncertain significance for Microcephaly, normal intelligence and immunodeficiency. Last evaluated: 2021-11-07. Review status: criteria provided, single submitter. Criteria: ACMG Guidelines, 2015. Collection method: clinical testing. Allele origin: germline. Affected: no.

Labcorp Genetics (formerly Invitae), Labcorp
Classification: Uncertain significance for Microcephaly, normal intelligence and immunodeficiency. Last evaluated: 2020-08-01. Review status: criteria provided, single submitter. Criteria: Invitae Variant Classification Sherloc (09022015). Collection method: clinical testing. Allele origin: germline.
Comment: Algorithms developed to predict the effect of missense changes on protein structure and function output the following: SIFT: "Tolerated"; PolyPhen-2: "Benign"; Align-GVGD: "Class C0". The glycine amino acid residue is found in multiple mammalian species, suggesting that this missense change does not adversely affect protein function. These predictions have not been confirmed by published functional studies and their clinical significance is uncertain. In summary, the available evidence is currently insufficient to determine the role of this variant in disease. Therefore, it has been classified as a Variant of Uncertain Significance. Algorithms developed to predict the effect of sequence changes on RNA splicing suggest that this variant may create or strengthen a splice site, but this prediction has not been confirmed by published transcriptional studies. This variant has not been reported in the literature in individuals with NBN-related conditions. This variant is not present in population databases (ExAC no frequency). This sequence change replaces aspartic acid with glycine at codon 586 of the NBN protein (p.Asp586Gly). The aspartic acid residue is weakly conserved and there is a moderate physicochemical difference between aspartic acid and glycine.

NM_002485.5(NBN):c.1757A>G (p.Asp586Gly)

Gene: NBN (nibrin; minus strand). Cytogenetic location: 8q21.3.
Variant type: single nucleotide variant.
Coding change: c.1757A>G on transcript NM_002485.5 (MANE Select); coding-DNA position 1757, A replaced by G.
Protein change: p.Asp586Gly; replaces aspartic acid 586 with glycine.
Molecular consequence: missense variant.
Genome position (GRCh38, 1-based): chr8:89,953,332, T>C on the plus strand (A>G on the coding strand, the complement: NBN is on the minus strand). VCF-style: chr8-89953332-T-C. GRCh37 (hg19) VCF-style: chr8-90965560-T-C.
Other names: c.1511A>G, p.Asp504Gly (NM_001024688.3); short protein forms D504G, D586G.
Identifiers: ClinVar variation 923821 (VCV000923821.12), dbSNP rs1810527909, ClinGen allele CA371655159.